The following is an entry in ClinVar:

NC_000016.9:g.(?_20344636)_(20365654_?)dup

Gene: UMOD (uromodulin; minus strand). Cytogenetic location: 16p12.3.
Variant type: Duplication.
Identifiers: ClinVar variation 2424676 (VCV002424676.3).

ClinVar aggregate classification (germline): Uncertain significance (1 of 4 stars; one submission).

Submission:

Labcorp Genetics (formerly Invitae), Labcorp
Classification: Uncertain significance. Last evaluated: 2022-05-09. Review status: criteria provided, single submitter. Criteria: Invitae Variant Classification Sherloc (09022015). Collection method: clinical testing. Allele origin: germline.
Comment: In summary, the available evidence is currently insufficient to determine the role of this variant in disease. Therefore, it has been classified as a Variant of Uncertain Significance. This variant has not been reported in the literature in individuals affected with UMOD-related conditions. A copy number gain of the genomic region encompassing the full coding sequence of the UMOD gene has been identified. The boundaries of this event are unknown as they extend beyond the assayed region for this gene and therefore may encompass additional genes. As the precise location of this event is unknown, it may be in tandem or it may be located elsewhere in the genome.